The following is an entry in ClinVar:

NM_032119.4(ADGRV1):c.17386C>T (p.Gln5796Ter)

Gene: ADGRV1 (adhesion G protein-coupled receptor V1; plus strand). Cytogenetic location: 5q14.3.
Variant type: single nucleotide variant.
Coding change: c.17386C>T on transcript NM_032119.4 (MANE Select); coding-DNA position 17386, C replaced by T.
Protein change: p.Gln5796Ter; replaces glutamine 5796 with a stop codon.
Molecular consequence: nonsense. On other transcripts: non-coding transcript variant (1).
Genome position (GRCh38, 1-based): chr5:90,853,465, C>T. VCF-style: chr5-90853465-C-T. GRCh37 (hg19) VCF-style: chr5-90149282-C-T.
Other names: short protein forms Q5796*.
Identifiers: ClinVar variation 2734743 (VCV002734743.4), dbSNP rs1766727068, ClinGen allele CA360430245.
Genomic context (GRCh38, chr5:90,853,465, plus strand): 5'-AGGCTACTGGATGTCCAGGATGCAGAAATAATGGCTGGGAAAAGTACATGTAAATTAGTC[C>T]AGTTTACAGAGTATAGCAGCCAACAGTGGTTTATAAGTGGAAACAATCTTCCTACCCTAA-3'

ClinVar aggregate classification (germline): Pathogenic. Review status: criteria provided, multiple submitters, no conflicts (2 of 4 stars). 2 submissions from 2 submitters: Pathogenic (2). Last evaluated 2024-04-07.

Conditions:
Usher syndrome type 2C. Also called: Usher syndrome, type 2B; USHER SYNDROME, TYPE IIC. Identifiers: Orphanet 231178, Orphanet 886, MedGen C2931213, MONDO:0011558, OMIM 605472.
Febrile seizures, familial, 4 (FEB4). Also called: CONVULSIONS, FAMILIAL FEBRILE, 4. Identifiers: MedGen C1858493, MONDO:0011443, OMIM 604352.

Submissions (2):

Fulgent Genetics
Classification: Pathogenic for Febrile seizures, familial, 4; Usher syndrome type 2C. Last evaluated: 2024-04-07. Review status: criteria provided, single submitter. Criteria: ACMG Guidelines, 2015. Collection method: clinical testing. Allele origin: germline.

Labcorp Genetics (formerly Invitae), Labcorp
Classification: Pathogenic. Last evaluated: 2022-12-29. Review status: criteria provided, single submitter. Criteria: Invitae Variant Classification Sherloc (09022015). Collection method: clinical testing. Allele origin: germline.
Comment: This sequence change creates a premature translational stop signal (p.Gln5796*) in the ADGRV1 gene. It is expected to result in an absent or disrupted protein product. Loss-of-function variants in ADGRV1 are known to be pathogenic (PMID: 19357117, 22135276, 22147658, 26226137, 30718709, 31047384, 32467589). This variant is not present in population databases (gnomAD no frequency). This premature translational stop signal has been observed in individual(s) with Usher syndrome (PMID: 23441107). Algorithms developed to predict the effect of sequence changes on RNA splicing suggest that this variant may disrupt the consensus splice site. For these reasons, this variant has been classified as Pathogenic.

Literature cited by the submitters: PubMed 19357117 (cited by Labcorp Genetics (formerly Invitae), Labcorp); PubMed 22135276 (cited by Labcorp Genetics (formerly Invitae), Labcorp); PubMed 22147658 (cited by Labcorp Genetics (formerly Invitae), Labcorp); PubMed 26226137 (cited by Labcorp Genetics (formerly Invitae), Labcorp); PubMed 30718709 (cited by Labcorp Genetics (formerly Invitae), Labcorp); PubMed 31047384 (cited by Labcorp Genetics (formerly Invitae), Labcorp); PubMed 32467589 (cited by Labcorp Genetics (formerly Invitae), Labcorp); PubMed 23441107 (cited by Labcorp Genetics (formerly Invitae), Labcorp).